The following is an entry in ClinVar:

ClinVar aggregate classification (germline): Uncertain significance. Review status: criteria provided, multiple submitters, no conflicts (2 of 4 stars). 3 submissions from 3 submitters: Uncertain significance (2). 1 of the submissions does not count toward it. Last evaluated 2025-12-11.

Conditions:
Cerebral palsy, spastic quadriplegic, 2 (CPSQ2). Identifiers: Orphanet 210141, MedGen C2752061, MONDO:0013033, OMIM 612900.

Allele frequency attached by ClinVar (database versions not stated): TOPMed 0.00001; gnomAD 0.00001; ExAC 0.00002.
gnomAD v4.1: 18 of 1,614,108 alleles (0.0011%); highest among the groups gnomAD compares: Admixed American, 0.0033%; no homozygotes.

Submissions (3):

Ambry Genetics
Classification: Uncertain significance. Last evaluated: 2025-12-11. Review status: criteria provided, single submitter. Criteria: Ambry Variant Classification Scheme 2023. Collection method: clinical testing. Allele origin: germline.

Labcorp Genetics (formerly Invitae), Labcorp
Classification: Uncertain significance. Last evaluated: 2023-11-06. Review status: criteria provided, single submitter. Criteria: Invitae Variant Classification Sherloc (09022015). Collection method: clinical testing. Allele origin: germline.
Comment: This sequence change replaces valine, which is neutral and non-polar, with methionine, which is neutral and non-polar, at codon 575 of the KANK1 protein (p.Val575Met). This variant is present in population databases (rs771817095, gnomAD 0.004%). This variant has not been reported in the literature in individuals affected with KANK1-related conditions. Advanced modeling of protein sequence and biophysical properties (such as structural, functional, and spatial information, amino acid conservation, physicochemical variation, residue mobility, and thermodynamic stability) has been performed at Invitae for this missense variant, however the output from this modeling did not meet the statistical confidence thresholds required to predict the impact of this variant on KANK1 protein function. In summary, the available evidence is currently insufficient to determine the role of this variant in disease. Therefore, it has been classified as a Variant of Uncertain Significance.

Laboratorio de Genética, Hospital Universitario Reina Sofía
Classification: Likely pathogenic for Cerebral palsy, spastic quadriplegic, 2. Review status: no assertion criteria provided. Collection method: clinical testing. Allele origin: germline. Inheritance: Autosomal recessive inheritance. Affected: yes and no. Clinical features observed: Microcephaly (HP:0000252), Hypotonia (HP:0001252), Myopathy (HP:0003198), Neurodevelopmental delay (HP:0012758), Intellectual disability (HP:0001249), Joint hypermobility (HP:0001382), Distal lower limb amyotrophy (HP:0008944), Skeletal muscle hypertrophy (HP:0003712), Muscular dystrophy (HP:0003560), Clumsiness (HP:0002312), Pachygyria (HP:0001302), Hypoplasia of the corpus callosum (HP:0002079), and 4 more. Not counted in ClinVar's aggregate classification.
Comment: This variant is a missense change, it was identified in the homozygous state in two affected siblings with a similar clinical presentation. Their consanguineous parents are healthy heterozygous carriers, and they have three additional children who are also healthy heterozygous carriers.

NM_015158.5(KANK1):c.1723G>A (p.Val575Met)

Gene: KANK1 (KN motif and ankyrin repeat domains 1; plus strand). Cytogenetic location: 9p24.3.
Variant type: single nucleotide variant.
Coding change: c.1723G>A on transcript NM_015158.5 (MANE Select); coding-DNA position 1723, G replaced by A.
Protein change: p.Val575Met; replaces valine 575 with methionine.
Molecular consequence: missense variant. On other transcripts: non-coding transcript variant (1).
Genome position (GRCh38, 1-based): chr9:712,489, G>A. VCF-style: chr9-712489-G-A. GRCh37 (hg19) VCF-style: chr9-712489-G-A.
Other names: c.1723G>A (NM_015158.2); c.1723G>A, p.Val575Met (NM_001256876.3, NM_001256877.3, NM_001354331.2 and 2 more transcripts); c.1249G>A, p.Val417Met (NM_001354333.2, NM_001354335.2, NM_001354336.2 and 9 more transcripts); short protein forms V575M, V417M.
Identifiers: ClinVar variation 3003019 (VCV003003019.4), dbSNP rs771817095, ClinGen allele CA4960295.